The following is an entry in ClinVar:

ClinVar aggregate classification (germline): Conflicting classifications of pathogenicity. Review status: criteria provided, conflicting classifications (1 of 4 stars). 7 submissions from 7 submitters: Uncertain significance (1); Benign (1); Likely benign (4). 1 of the submissions does not count toward it. Last evaluated 2026-02-02.

Conditions:
Inborn genetic diseases. Identifiers: MedGen C0950123, MeSH D030342.
Developmental and epileptic encephalopathy, 18 (DEE18). Also called: Early infantile epileptic encephalopathy 18. Identifiers: Orphanet 369894, MedGen C3809624, MONDO:0014201, OMIM 615476.
Intellectual disability. Also called: intellectual disabilities; Intellectual functioning disability; Intellectual developmental disorder. Identifiers: MedGen C3714756, MeSH D008607, MONDO:0001071, HP:0001249.

Allele frequency attached by ClinVar (database versions not stated): gnomAD exomes 0.00027 and 0.00043; ExAC 0.00040; ESP Exome Variant Server 0.00054; gnomAD 0.00055 and 0.00060; TOPMed 0.00065; 1000 Genomes Project 30x 0.00234; 1000 Genomes Project 0.00300.
gnomAD v4.1: 516 of 1,609,430 alleles (0.032%); highest among the groups gnomAD compares: Middle Eastern, 0.17%; 3 homozygotes.

Submissions (7):

Labcorp Genetics (formerly Invitae), Labcorp
Classification: Likely benign. Last evaluated: 2026-02-02. Review status: criteria provided, single submitter. Criteria: Invitae Variant Classification Sherloc (09022015). Collection method: clinical testing. Allele origin: germline.

Women's Health and Genetics/Laboratory Corporation of America, LabCorp
Classification: Uncertain significance. Last evaluated: 2025-10-29. Review status: criteria provided, single submitter. Criteria: LabCorp Variant Classification Summary - May 2015. Collection method: clinical testing. Allele origin: germline.
Comment: Variant summary: SZT2 c.8006C>G (p.Thr2669Ser) results in a conservative amino acid change in the encoded protein sequence. Algorithms developed to predict the effect of missense changes on protein structure and function all suggest that this variant is likely to be tolerated. The variant allele was found at a frequency of 0.00043 in 247450 control chromosomes in the gnomAD database, including 1 homozygotes. This frequency is not significantly higher than estimated for disease-causing variants in SZT2, allowing no conclusion about variant significance. To our knowledge, no occurrence of c.8006C>G in individuals affected with SZT2-related conditions and no experimental evidence demonstrating its impact on protein function have been reported. ClinVar contains an entry for this variant (Variation ID: 411936). Based on the evidence outlined above, the variant was classified as uncertain significance.

Blueprint Genetics
Classification: Likely benign. Last evaluated: 2024-10-15. Review status: criteria provided, single submitter. Criteria: ACMG Guidelines, 2015. Collection method: clinical testing. Allele origin: germline.

Genome-Nilou Lab
Classification: Likely benign for Developmental and epileptic encephalopathy, 18. Last evaluated: 2023-04-11. Review status: criteria provided, single submitter. Criteria: ACMG Guidelines, 2015. Collection method: clinical testing. Allele origin: germline. Affected: no.

GeneDx
Classification: Likely benign. Last evaluated: 2021-03-23. Review status: criteria provided, single submitter. Criteria: GeneDx Variant Classification Process June 2021. Collection method: clinical testing. Allele origin: germline. Affected: yes.

Ambry Genetics
Classification: Benign for Inborn genetic diseases. Last evaluated: 2017-03-29. Review status: criteria provided, single submitter. Criteria: Ambry Variant Classification Scheme 2023. Collection method: clinical testing. Allele origin: germline.

Centre de Biologie Pathologie Génétique, Centre Hospitalier Universitaire de Lille
Classification: Uncertain significance for Intellectual disability. Last evaluated: 2019-01-01. Review status: no assertion criteria provided. Collection method: clinical testing. Allele origin: unknown. Affected: yes. Not counted in ClinVar's aggregate classification.

NM_001365999.1(SZT2):c.8177C>G (p.Thr2726Ser)

Gene: SZT2 (SZT2 subunit of KICSTOR complex; plus strand). Cytogenetic location: 1p34.2.
Variant type: single nucleotide variant.
Coding change: c.8177C>G on transcript NM_001365999.1 (MANE Select); coding-DNA position 8177, C replaced by G.
Protein change: p.Thr2726Ser; replaces threonine 2726 with serine.
Molecular consequence: missense variant.
Genome position (GRCh38, 1-based): chr1:43,442,844, C>G. VCF-style: chr1-43442844-C-G. GRCh37 (hg19) VCF-style: chr1-43908515-C-G.
Other names: c.8006C>G, p.Thr2669Ser (NM_015284.4); short protein forms T2669S, T2726S.
Identifiers: ClinVar variation 411936 (VCV000411936.23), dbSNP rs145882968, ClinGen allele CA810476.